The following is an entry in ClinVar:

ClinVar aggregate classification (germline): Uncertain significance (1 of 4 stars; one submission).

Conditions:
Hereditary cancer-predisposing syndrome. Also called: Neoplastic Syndromes, Hereditary; Tumor predisposition; Hereditary Cancer Syndrome; Hereditary neoplastic syndrome. Identifiers: Orphanet 140162, MedGen C0027672, MeSH D009386, MONDO:0015356.

Submission:

Ambry Genetics
Classification: Uncertain significance for Hereditary cancer-predisposing syndrome. Last evaluated: 2015-12-03. Review status: criteria provided, single submitter. Criteria: Ambry Variant Classification Scheme 2023. Collection method: clinical testing. Allele origin: germline.
Comment: The p.Q97H variant (also known as c.291G>T), located in coding exon 3 of the MRE11A gene, results from a G to T substitution at nucleotide position 291. The glutamine at codon 97 is replaced by histidine, an amino acid with highly similar properties. This variant was not reported in population based cohorts in the following databases: Database of Single Nucleotide Polymorphisms (dbSNP), NHLBI Exome Sequencing Project (ESP), and 1000 Genomes Project. In the ESP, this variant was not observed in 6499 samples (12998 alleles) with coverage at this position. To date, this alteration has been detected with an allele frequency of approximately 0.001% (greater than 120000 alleles tested) in our clinical cohort. This amino acid position is highly conserved in available vertebrate species. In addition, the in silico prediction for this alteration is inconclusive. Since supporting evidence is limited at this time, the clinical significance of p.Q97H remains unclear.

NM_005591.4(MRE11):c.291G>T (p.Gln97His)

Gene: MRE11 (MRE11 double strand break repair nuclease; minus strand). Cytogenetic location: 11q21.
Variant type: single nucleotide variant.
Coding change: c.291G>T on transcript NM_005591.4 (MANE Select); coding-DNA position 291, G replaced by T.
Protein change: p.Gln97His; replaces glutamine 97 with histidine.
Molecular consequence: missense variant.
Genome position (GRCh38, 1-based): chr11:94,485,947, C>A on the plus strand (G>T on the coding strand, the complement: MRE11 is on the minus strand). VCF-style: chr11-94485947-C-A. GRCh37 (hg19) VCF-style: chr11-94219113-C-A.
Other names: c.291G>T, p.Gln97His (NM_001330347.2, NM_005590.4); short protein forms Q97H.
Identifiers: ClinVar variation 1799697 (VCV001799697.2), dbSNP rs776642337, ClinGen allele CA382379453.
Genomic context (GRCh38, chr11:94,485,947, plus strand): 5'-CAAGTAATCACTCACTCAAGTAAATAAATATACTTACTTACTAAAACCAAAGTTGACTGA[C>A]TGATCACTGAGAATTTCAAACTGGACAGGCCGATCACCCATACAATATTTTCTTAATAAC-3'
Protein context (NP_005582.1, residues 87-107): RPVQFEILSD[Gln97His]SVNFGFSKFP